The following is an entry in ClinVar:

NM_004006.3(DMD):c.7427A>G (p.Asn2476Ser)

Gene: DMD (dystrophin; minus strand). Cytogenetic location: Xp21.1.
Variant type: single nucleotide variant.
Coding change: c.7427A>G on transcript NM_004006.3 (MANE Select); coding-DNA position 7427, A replaced by G.
Protein change: p.Asn2476Ser; replaces asparagine 2476 with serine.
Molecular consequence: missense variant.
Genome position (GRCh38, 1-based): chrX:31,774,075, T>C on the plus strand (A>G on the coding strand, the complement: DMD is on the minus strand). VCF-style: chrX-31774075-T-C. GRCh37 (hg19) VCF-style: chrX-31792192-T-C.
Other names: c.7403A>G, p.Asn2468Ser (NM_000109.4); c.7415A>G, p.Asn2472Ser (NM_004009.3); c.7058A>G, p.Asn2353Ser (NM_004010.3); c.3404A>G, p.Asn1135Ser (NM_004011.4); c.3395A>G, p.Asn1132Ser (NM_004012.4); c.47A>G, p.Asn16Ser (NM_004013.3, NM_004020.4, NM_004021.3 and 2 more transcripts); short protein forms N2476S, N16S, N1132S, N1135S, N2472S, N2468S, N2353S.
Identifiers: ClinVar variation 288822 (VCV000288822.20), dbSNP rs757394130, ClinGen allele CA10378280.

ClinVar aggregate classification (germline): Conflicting classifications of pathogenicity. Review status: criteria provided, conflicting classifications (1 of 4 stars). 5 submissions from 5 submitters: Uncertain significance (2); Benign (1); Likely benign (2). Last evaluated 2025-07-30.

Conditions:
Cardiovascular phenotype. Identifiers: MedGen CN230736.
Duchenne muscular dystrophy (DMD). Also called: Duchenne Muscular Dystrophy (DMD); MUSCULAR DYSTROPHY, PSEUDOHYPERTROPHIC PROGRESSIVE, DUCHENNE TYPE. Identifiers: Orphanet 98896, MedGen C0013264, MONDO:0010679, OMIM 310200.

Allele frequency attached by ClinVar (database versions not stated): gnomAD 0.00001; gnomAD exomes 0.00003 and 0.00009; ExAC 0.00009.
gnomAD v4.1: 37 of 1,208,662 alleles (0.0031%); highest among the groups gnomAD compares: East Asian, 0.021%; no homozygotes.

Submissions (5):

Labcorp Genetics (formerly Invitae), Labcorp
Classification: Benign for Duchenne muscular dystrophy. Last evaluated: 2025-07-30. Review status: criteria provided, single submitter. Criteria: Invitae Variant Classification Sherloc (09022015). Collection method: clinical testing. Allele origin: germline.

Revvity Omics, Revvity
Classification: Uncertain significance. Last evaluated: 2024-08-13. Review status: criteria provided, single submitter. Criteria: ACMG Guidelines, 2015. Collection method: clinical testing. Allele origin: germline.

Ambry Genetics
Classification: Likely benign for Cardiovascular phenotype. Last evaluated: 2021-04-26. Review status: criteria provided, single submitter. Criteria: Ambry Variant Classification Scheme 2023. Collection method: clinical testing. Allele origin: germline.

Women's Health and Genetics/Laboratory Corporation of America, LabCorp
Classification: Likely benign. Last evaluated: 2020-02-25. Review status: criteria provided, single submitter. Criteria: LabCorp Variant Classification Summary - May 2015. Collection method: clinical testing. Allele origin: germline.
Comment: Variant summary: DMD c.7427A>G (p.Asn2476Ser) results in a conservative amino acid change in the encoded protein sequence. Three of five in-silico tools predict a benign effect of the variant on protein function. The variant allele was found at a frequency of 9.3e-05 in 183247 control chromosomes (gnomAD). The observed variant frequency is approximately 8.4- fold the estimated maximal expected allele frequency for a pathogenic variant in DMD causing Dystrophinopathies phenotype (1.1e-05), strongly suggesting that the variant is benign. To our knowledge, no occurrence of c.7427A>G in individuals affected with Dystrophinopathies and no experimental evidence demonstrating its impact on protein function have been reported. Two other clinical diagnostic laboratories have submitted clinical-significance assessments for this variant to ClinVar after 2014 without evidence for independent evaluation. One laboratory classified the variant as benign, and one laboratory classified the variant as uncertain significance. Based on the evidence outlined above, the variant was classified as likely benign.

Eurofins Ntd Llc (ga)
Classification: Uncertain significance. Last evaluated: 2018-07-02. Review status: criteria provided, single submitter. Criteria: EGL ClinVar v180209 classification definitions. Collection method: clinical testing. Allele origin: germline. Observed: 2 variant alleles, 1 heterozygote, 1 hemizygote.